The following is an entry in ClinVar:

ClinVar aggregate classification (germline): Likely benign. Review status: criteria provided, multiple submitters, no conflicts (2 of 4 stars). 2 submissions from 2 submitters: Likely benign (2). Last evaluated 2024-03-05.

Conditions:
Marfan syndrome (MFS). Also called: Marfan syndrome type 1; Marfan's syndrome; Marfan syndrome, classic; MARFAN SYNDROME, TYPE I; FBN1-Related Marfan Syndrome. Identifiers: Orphanet 284963, Orphanet 558, MedGen C0024796, MONDO:0007947, OMIM 154700.
Familial thoracic aortic aneurysm and aortic dissection (TAAD). Also called: Thoracic aortic aneurysms and dissections. Identifiers: Orphanet 91387, MedGen C4707243, MONDO:0019625.

Submissions (2):

All of Us Research Program, National Institutes of Health
Classification: Likely benign for Marfan syndrome. Last evaluated: 2024-03-05. Review status: criteria provided, single submitter. Criteria: ACMG Guidelines, 2015. Collection method: clinical testing. Allele origin: germline. Inheritance: Autosomal dominant inheritance. Observed: 1 variant allele, 1 heterozygote.
Comment: This study involves interpretation of variants in research participants for the purpose of population health screening. Participant phenotype was not available at the time of variant classification. Additional details can be found in publication PMID: 35346344, PMCID: PMC8962531

Color Diagnostics, LLC DBA Color Health
Classification: Likely benign for Familial thoracic aortic aneurysm and aortic dissection. Last evaluated: 2020-11-02. Review status: criteria provided, single submitter. Criteria: ACMG Guidelines, 2015. Collection method: clinical testing. Allele origin: germline.

NM_000138.5(FBN1):c.6807T>A (p.Ile2269=)

Gene: FBN1 (fibrillin 1; minus strand). Cytogenetic location: 15q21.1.
Variant type: single nucleotide variant.
Coding change: c.6807T>A on transcript NM_000138.5 (MANE Select); coding-DNA position 6807, T replaced by A.
Protein change: p.Ile2269=; no amino-acid change (isoleucine 2269 retained).
Molecular consequence: synonymous variant.
Genome position (GRCh38, 1-based): chr15:48,430,735, A>T on the plus strand (T>A on the coding strand, the complement: FBN1 is on the minus strand). VCF-style: chr15-48430735-A-T. GRCh37 (hg19) VCF-style: chr15-48722932-A-T.
Identifiers: ClinVar variation 1171575 (VCV001171575.3), dbSNP rs1566894280, ClinGen allele CA490018203.